The following is an entry in ClinVar:

NM_001191061.2(SLC25A22):c.-5G>C

Gene: SLC25A22 (solute carrier family 25 member 22; minus strand). Cytogenetic location: 11p15.5.
Variant type: single nucleotide variant.
Coding change: c.-5G>C on transcript NM_001191061.2 (MANE Select); 5 bases upstream of the start codon, G replaced by C.
Molecular consequence: 5 prime UTR variant.
Genome position (GRCh38, 1-based): chr11:795,011, C>G on the plus strand (G>C on the coding strand, the complement: SLC25A22 is on the minus strand). VCF-style: chr11-795011-C-G. GRCh37 (hg19) VCF-style: chr11-795011-C-G.
Other names: c.-5G>C (NM_001191060.2, NM_024698.6).
Identifiers: ClinVar variation 1751014 (VCV001751014.2), dbSNP rs202235391, ClinGen allele CA216947883.
Genomic context (GRCh38, chr11:795,011, plus strand): 5'-TGGGGGTGAGGCACGCAGCCAGGACTGGAGTCTGACCTGATCTGCTTATCAGCCATTTAA[C>G]TCGATTGCACCCAGGTAGGAGCCGCAGAGGTGGACGCCAGGCCAGGCGGGGTGGAGGTGG-3'

ClinVar aggregate classification (germline): Uncertain significance (1 of 4 stars; one submission).

Conditions:
Inborn genetic diseases. Identifiers: MedGen C0950123, MeSH D030342.

Allele frequency attached by ClinVar (database versions not stated): gnomAD 0.00001; gnomAD exomes 0.00002; TOPMed 0.00002; ESP Exome Variant Server 0.00008; 1000 Genomes Project 30x 0.00016; 1000 Genomes Project 0.00020.
gnomAD v4.1: 28 of 1,554,652 alleles (0.0018%); highest among the groups gnomAD compares: East Asian, 0.0024%; no homozygotes.

Submission:

Ambry Genetics
Classification: Uncertain significance for Inborn genetic diseases. Last evaluated: 2018-01-24. Review status: criteria provided, single submitter. Criteria: Ambry Variant Classification Scheme 2023. Collection method: clinical testing. Allele origin: germline.
Comment: The c.-5G>C variant is located in the 5' untranslated region (5&rsquo; UTR) of the SLC25A22 gene. This variant results from a G to C substitution 5 bases upstream from the first translated codon. This nucleotide position is not conserved in available vertebrate species. Since supporting evidence is limited at this time, the clinical significance of this alteration remains unclear.